The following is an entry in ClinVar:

ClinVar aggregate classification (germline): Pathogenic (1 of 4 stars; one submission).

Submission:

Labcorp Genetics (formerly Invitae), Labcorp
Classification: Pathogenic. Last evaluated: 2023-12-06. Review status: criteria provided, single submitter. Criteria: Invitae Variant Classification Sherloc (09022015). Collection method: clinical testing. Allele origin: germline.
Comment: This sequence change creates a premature translational stop signal (p.Asn1146Lysfs*10) in the ERCC6L2 gene. It is expected to result in an absent or disrupted protein product. Loss-of-function variants in ERCC6L2 are known to be pathogenic (PMID: 24507776, 27185855, 29146883, 29987015). This variant is not present in population databases (gnomAD no frequency). This variant has not been reported in the literature in individuals affected with ERCC6L2-related conditions. For these reasons, this variant has been classified as Pathogenic.

Literature cited by the submitters: PubMed 24507776; PubMed 27185855; PubMed 29146883; PubMed 29987015.

NM_020207.7(ERCC6L2):c.3404dup (p.Asn1135fs)

Gene: ERCC6L2 (ERCC excision repair 6 like 2; plus strand). Cytogenetic location: 9q22.32.
Variant type: Duplication.
Coding change: c.3404dup on transcript NM_020207.7 (MANE Select); coding-DNA position 3404, one base duplicated (A; older notation c.3404dupA).
Protein change: p.Asn1135fs; shifts the reading frame from asparagine 1135.
Molecular consequence: frameshift variant. On other transcripts: non-coding transcript variant (1).
Genome position (GRCh38, 1-based): chr9:95,978,127, A duplicated; the last of 4 consecutive A bases (chr9:95,978,124-95,978,127); duplicating any one gives the same sequence. VCF-style (leftmost placement, unchanged base first): chr9-95978123-G-GA. GRCh37 (hg19) VCF-style: chr9-98740405-G-GA.
Other names: c.3404dup, p.Asn1135fs (NM_001375294.1, NM_001375292.1, NM_001375293.1 and 1 more transcripts); short protein forms N1135fs.
Identifiers: ClinVar variation 2998937 (VCV002998937.3), dbSNP rs2490599065, ClinGen allele CA2690811070.